The following is an entry in ClinVar:

ClinVar aggregate classification (germline): Uncertain significance (1 of 4 stars; one submission).

Allele frequency attached by ClinVar (database versions not stated): gnomAD exomes below 0.00001.
gnomAD v4.1: 1 of 1,613,934 alleles (0.000062%); highest among the groups gnomAD compares: Non-Finnish European, 0.000085%; no homozygotes.

Submission:

Labcorp Genetics (formerly Invitae), Labcorp
Classification: Uncertain significance. Last evaluated: 2024-01-25. Review status: criteria provided, single submitter. Criteria: Invitae Variant Classification Sherloc (09022015). Collection method: clinical testing. Allele origin: germline.
Comment: This sequence change replaces isoleucine, which is neutral and non-polar, with methionine, which is neutral and non-polar, at codon 310 of the ZCCHC8 protein (p.Ile310Met). This variant is present in population databases (no rsID available, gnomAD 0.0009%). This variant has not been reported in the literature in individuals affected with ZCCHC8-related conditions. ClinVar contains an entry for this variant (Variation ID: 2118608). Advanced modeling of protein sequence and biophysical properties (such as structural, functional, and spatial information, amino acid conservation, physicochemical variation, residue mobility, and thermodynamic stability) performed at Invitae indicates that this missense variant is expected to disrupt ZCCHC8 protein function with a positive predictive value of 80%. In summary, the available evidence is currently insufficient to determine the role of this variant in disease. Therefore, it has been classified as a Variant of Uncertain Significance.

NM_017612.5(ZCCHC8):c.930C>G (p.Ile310Met)

Gene: ZCCHC8 (zinc finger CCHC-type containing 8; minus strand). Cytogenetic location: 12q24.31.
Variant type: single nucleotide variant.
Coding change: c.930C>G on transcript NM_017612.5 (MANE Select); coding-DNA position 930, C replaced by G.
Protein change: p.Ile310Met; replaces isoleucine 310 with methionine.
Molecular consequence: missense variant.
Genome position (GRCh38, 1-based): chr12:122,481,610, G>C on the plus strand (C>G on the coding strand, the complement: ZCCHC8 is on the minus strand). VCF-style: chr12-122481610-G-C. GRCh37 (hg19) VCF-style: chr12-122966157-G-C.
Other names: c.699C>G, p.Ile233Met (NM_001350935.2); c.633C>G, p.Ile211Met (NM_001350936.2); c.216C>G, p.Ile72Met (NM_001350937.2, NM_001350938.2); short protein forms I72M, I211M, I310M, I233M.
Identifiers: ClinVar variation 2118608 (VCV002118608.4), dbSNP rs1258776330, ClinGen allele CA387052591.